The following is an entry in ClinVar:

NM_001042492.3(NF1):c.1231del (p.Leu410_Val411insTer)

Gene: NF1 (neurofibromin 1; plus strand). Cytogenetic location: 17q11.2.
Variant type: Deletion.
Coding change: c.1231del on transcript NM_001042492.3 (MANE Select); coding-DNA position 1231, one base deleted (G; older notation c.1231delG).
Protein change: p.Leu410_Val411insTer.
Molecular consequence: nonsense.
Genome position (GRCh38, 1-based): chr17:31,201,456, G deleted; the last of 2 consecutive G bases (chr17:31,201,455-31,201,456); deleting either gives the same sequence. VCF-style (leftmost placement, unchanged base first): chr17-31201454-TG-T. GRCh37 (hg19) VCF-style: chr17-29528472-TG-T.
Other names: c.1231del, p.Leu410_Val411insTer (NM_000267.4, NM_001128147.3).
Identifiers: ClinVar variation 4855170 (VCV004855170.1).
Genomic context (GRCh38, chr17:31,201,454, plus strand): 5'-TTTTTCTTTTTCTATAGATCTGCCTGGCTCAGAATTCACCTTCTACATTTCACTATGTGC[TG>T]GTAAATTCACTCCATCGAATCATCACCAATGTAAGTCCAAAAGGTATTGCTAAATTACTA-3'

ClinVar aggregate classification (germline): Likely pathogenic (1 of 4 stars; one submission).

Conditions:
Neurofibromatosis, type 1 (NF1). Also called: NEUROFIBROMATOSIS, TYPE I, SOMATIC; VON RECKLINGHAUSEN DISEASE; Neurofibromatosis, type I; Peripheral type neurofibromatosis. Identifiers: Orphanet 636, MedGen C0027831, MONDO:0018975, OMIM 162200. Disease mechanism: loss of function.

Submission:

3billion
Classification: Likely pathogenic for Neurofibromatosis, type 1. Last evaluated: 2025-06-09. Review status: criteria provided, single submitter. Criteria: ACMG Guidelines, 2015. Collection method: clinical testing. Allele origin: germline. Affected: yes.
Comment: The variant is not observed in the gnomAD v4.1.0 dataset. Predicted Consequence/Location: Stop-gained (nonsense): predicted to result in a loss or disruption of normal protein function through nonsense-mediated decay (NMD) or protein truncation. Multiple pathogenic variants are reported downstream of the variant. Therefore, this variant is classified as Likely pathogenic according to the recommendation of ACMG/AMP guideline.